The following is an entry in ClinVar:

ClinVar aggregate classification (germline): Uncertain significance (1 of 4 stars; one submission).

Conditions:
Coffin-Siris syndrome 6. Identifiers: MedGen C4540499, MONDO:0033492, OMIM 617808.

Submission:

Laboratorio de Genetica e Diagnostico Molecular, Hospital Israelita Albert Einstein
Classification: Uncertain significance for Coffin-Siris syndrome 6. Last evaluated: 2022-10-10. Review status: criteria provided, single submitter. Criteria: ACMG Guidelines, 2015. Collection method: clinical testing. Allele origin: germline. Affected: yes. Observed: 1 variant allele.
Comment: ACMG classification criteria: PM2 moderated

NM_152641.4(ARID2):c.5080G>T (p.Asp1694Tyr)

Gene: ARID2 (AT-rich interaction domain 2; plus strand). Cytogenetic location: 12q12.
Variant type: single nucleotide variant.
Coding change: c.5080G>T on transcript NM_152641.4 (MANE Select); coding-DNA position 5080, G replaced by T.
Protein change: p.Asp1694Tyr; replaces aspartic acid 1694 with tyrosine.
Molecular consequence: missense variant.
Genome position (GRCh38, 1-based): chr12:45,892,029, G>T. VCF-style: chr12-45892029-G-T. GRCh37 (hg19) VCF-style: chr12-46285812-G-T.
Other names: c.5080G>T, p.Asp1694Tyr (NM_001347839.2); short protein forms D1694Y.
Identifiers: ClinVar variation 2431633 (VCV002431633.1), dbSNP rs2547678685, ClinGen allele CA384498439.